The following is an entry in ClinVar:

NM_031407.7(HUWE1):c.12732G>C (p.Glu4244Asp)

Gene: HUWE1 (HECT, UBA and WWE domain containing E3 ubiquitin protein ligase 1; minus strand). Cytogenetic location: Xp11.22.
Variant type: single nucleotide variant.
Coding change: c.12732G>C on transcript NM_031407.7 (MANE Select); coding-DNA position 12732, G replaced by C.
Protein change: p.Glu4244Asp; replaces glutamic acid 4244 with aspartic acid.
Molecular consequence: missense variant.
Genome position (GRCh38, 1-based): chrX:53,534,615, C>G on the plus strand (G>C on the coding strand, the complement: HUWE1 is on the minus strand). VCF-style: chrX-53534615-C-G. GRCh37 (hg19) VCF-style: chrX-53561576-C-G.
Other names: short protein forms E4244D.
Identifiers: ClinVar variation 375723 (VCV000375723.2), dbSNP rs1556910184, ClinGen allele CA413146587.

ClinVar aggregate classification (germline): Likely pathogenic (1 of 4 stars; one submission).

Conditions:
Intellectual developmental disorder, X-linked, syndromic, Turner type. Also called: Intellectual disability, X-linked syndromic, Turner type; X-linked intellectual disability, Turner type. Identifiers: Orphanet 3056, Orphanet 85328, MedGen C2678046, MONDO:0010407, OMIM 309590.

Submission:

Center for Medical Genetics and Molecular Medicine, Haukeland University Hospital
Classification: Likely pathogenic for Intellectual developmental disorder, X-linked, syndromic, Turner type. Last evaluated: 2017-01-18. Review status: criteria provided, single submitter. Criteria: ACMG Guidelines, 2015. Collection method: clinical testing. Allele origin: de novo. Inheritance: X-linked inheritance. Affected: no. Observed: 1 variant allele.
Comment: ACMG evidence: PS(1), PM(1), PP(1)